The following is an entry in ClinVar:

ClinVar aggregate classification (germline): Likely pathogenic (1 of 4 stars; one submission).

Allele frequency attached by ClinVar (database versions not stated): gnomAD exomes below 0.00001 and 0.00001.

Submission:

Labcorp Genetics (formerly Invitae), Labcorp
Classification: Likely pathogenic. Last evaluated: 2021-05-18. Review status: criteria provided, single submitter. Criteria: Invitae Variant Classification Sherloc (09022015). Collection method: clinical testing. Allele origin: germline.
Comment: This sequence change affects a donor splice site in intron 9 of the USH1C gene. It is expected to disrupt RNA splicing. Variants that disrupt the donor or acceptor splice site typically lead to a loss of protein function (PMID: 16199547), and loss-of-function variants in USH1C are known to be pathogenic (PMID: 10973247, 17407589, 20301442, 21203349). This variant is not present in population databases (ExAC no frequency). This variant has not been reported in the literature in individuals with USH1C-related conditions. Algorithms developed to predict the effect of sequence changes on RNA splicing suggest that this variant may disrupt the consensus splice site, but this prediction has not been confirmed by published transcriptional studies. In summary, the currently available evidence indicates that the variant is pathogenic, but additional data are needed to prove that conclusively. Therefore, this variant has been classified as Likely Pathogenic.

Literature cited by the submitters: PubMed 16199547; PubMed 10973247; PubMed 17407589; PubMed 20301442; PubMed 21203349.

NM_153676.4(USH1C):c.759+1G>A

Gene: USH1C (USH1 protein network component harmonin; minus strand). Cytogenetic location: 11p15.1.
Variant type: single nucleotide variant.
Coding change: c.759+1G>A on transcript NM_153676.4 (MANE Select); the canonical splice donor site of the intron after coding-DNA position 759, G replaced by A.
Molecular consequence: splice donor variant.
Genome position (GRCh38, 1-based): chr11:17,524,450, C>T on the plus strand (G>A on the coding strand, the complement: USH1C is on the minus strand). VCF-style: chr11-17524450-C-T. GRCh37 (hg19) VCF-style: chr11-17545997-C-T.
Other names: c.759+1G>A (NM_001297764.2, NM_005709.4).
Identifiers: ClinVar variation 1470266 (VCV001470266.8), dbSNP rs968918465, ClinGen allele CA218459515.